The following is an entry in ClinVar:

NM_000463.3(UGT1A1):c.1460A>G (p.His487Arg)

Genes: UGT1A (UDP glucuronosyltransferase family 1 member A complex locus; plus strand), UGT1A1 (UDP glucuronosyltransferase family 1 member A1; plus strand), UGT1A10 (UDP glucuronosyltransferase family 1 member A10; plus strand), UGT1A3 (UDP glucuronosyltransferase family 1 member A3; plus strand), UGT1A4 (UDP glucuronosyltransferase family 1 member A4; plus strand) and 5 more. Cytogenetic location: 2q37.1.
Variant type: single nucleotide variant.
Coding change: c.1460A>G on transcript NM_000463.3 (MANE Select); coding-DNA position 1460, A replaced by G.
Protein change: p.His487Arg; replaces histidine 487 with arginine.
Molecular consequence: missense variant.
Genome position (GRCh38, 1-based): chr2:233,772,417, A>G. VCF-style: chr2-233772417-A-G. GRCh37 (hg19) VCF-style: chr2-234681063-A-G.
Other names: c.1451A>G, p.His484Arg (NM_019075.4, NM_019076.5, NM_019077.3 and 1 more transcripts); c.1457A>G, p.His486Arg (NM_001072.4); c.656A>G, p.His219Arg (NM_205862.3); c.1463A>G, p.His488Arg (NM_019078.2, NM_007120.3, NM_019093.4); short protein forms H484R, H219R, H486R, H488R, H487R.
Identifiers: ClinVar variation 4985292 (VCV004985292.1).
Genomic context (GRCh38, chr2:233,772,417, plus strand): 5'-GGCACAAGGGCGCGCCACACCTGCGCCCCGCAGCCCACGACCTCACCTGGTACCAGTACC[A>G]TTCCTTGGACGTGATTGGTTTCCTCTTGGCCGTCGTGCTGACAGTGGCCTTCATCACCTT-3'
Protein context (NP_000454.1, residues 477-497): AAHDLTWYQY[His487Arg]SLDVIGFLLA

ClinVar aggregate classification (germline): Uncertain significance (1 of 4 stars; one submission).

Conditions:
UGT1A1-related disorder. Also called: UGT1A1-related disorders; UGT1A1-related condition.

gnomAD v4.1: 2 of 1,614,214 alleles (0.00012%); highest among the groups gnomAD compares: African/African-American, 0.0027%; no homozygotes.

Submission:

PreventionGenetics, part of Exact Sciences
Classification: Uncertain significance for UGT1A1-related condition. Last evaluated: 2025-01-22. Review status: criteria provided, single submitter. Criteria: ACMG Guidelines, 2015. Collection method: clinical testing. Allele origin: germline.
Comment: The UGT1A1 c.1460A>G variant is predicted to result in the amino acid substitution p.His487Arg. To our knowledge, this variant has not been reported in the literature or in a large population database (gnomAD), indicating this variant is rare. At this time, the clinical significance of this variant is uncertain due to the absence of conclusive functional and genetic evidence.